The following is an entry in ClinVar:

ClinVar aggregate classification (germline): Uncertain significance (1 of 4 stars; one submission).

Submission:

Labcorp Genetics (formerly Invitae), Labcorp
Classification: Uncertain significance. Last evaluated: 2022-01-28. Review status: criteria provided, single submitter. Criteria: Invitae Variant Classification Sherloc (09022015). Collection method: clinical testing. Allele origin: germline.
Comment: Algorithms developed to predict the effect of missense changes on protein structure and function are either unavailable or do not agree on the potential impact of this missense change (SIFT: "Deleterious"; PolyPhen-2: "Probably Damaging"; Align-GVGD: "Class C0"). In summary, the available evidence is currently insufficient to determine the role of this variant in disease. Therefore, it has been classified as a Variant of Uncertain Significance. Algorithms developed to predict the effect of sequence changes on RNA splicing suggest that this variant may disrupt the consensus splice site. This variant has not been reported in the literature in individuals affected with HPS3-related conditions. This variant is not present in population databases (gnomAD no frequency). This sequence change replaces lysine, which is basic and polar, with asparagine, which is neutral and polar, at codon 962 of the HPS3 protein (p.Lys962Asn).

NM_032383.5(HPS3):c.2886A>C (p.Lys962Asn)

Genes: CP (ceruloplasmin; minus strand), HPS3 (HPS3 biogenesis of lysosomal organelles complex 2 subunit 1; plus strand). Cytogenetic location: 3q24.
Variant type: single nucleotide variant.
Coding change: c.2886A>C on transcript NM_032383.5 (MANE Select); coding-DNA position 2886, A replaced by C.
Protein change: p.Lys962Asn; replaces lysine 962 with asparagine.
Molecular consequence: missense variant.
Genome position (GRCh38, 1-based): chr3:149,167,982, A>C. VCF-style: chr3-149167982-A-C. GRCh37 (hg19) VCF-style: chr3-148885769-A-C.
Other names: c.2391A>C, p.Lys797Asn (NM_001308258.2); short protein forms K962N, K797N.
Identifiers: ClinVar variation 2091036 (VCV002091036.4), dbSNP rs2472693610, ClinGen allele CA354926505.